The following is an entry in ClinVar:

ClinVar aggregate classification (germline): Uncertain significance (1 of 4 stars; one submission).

Allele frequency attached by ClinVar (database versions not stated): TOPMed below 0.00001; gnomAD 0.00001.
gnomAD v4.1: 2 of 1,613,412 alleles (0.00012%); highest among the groups gnomAD compares: African/African-American, 0.0013%; no homozygotes.

Submission:

Labcorp Genetics (formerly Invitae), Labcorp
Classification: Uncertain significance. Last evaluated: 2022-04-30. Review status: criteria provided, single submitter. Criteria: Invitae Variant Classification Sherloc (09022015). Collection method: clinical testing. Allele origin: germline.
Comment: In summary, the available evidence is currently insufficient to determine the role of this variant in disease. Therefore, it has been classified as a Variant of Uncertain Significance. This sequence change replaces leucine, which is neutral and non-polar, with serine, which is neutral and polar, at codon 1513 of the PTPN23 protein (p.Leu1513Ser). This variant is not present in population databases (gnomAD no frequency). This variant has not been reported in the literature in individuals affected with PTPN23-related conditions. Algorithms developed to predict the effect of missense changes on protein structure and function (SIFT, PolyPhen-2, Align-GVGD) all suggest that this variant is likely to be tolerated.

NM_015466.4(PTPN23):c.4538T>C (p.Leu1513Ser)

Gene: PTPN23 (protein tyrosine phosphatase non-receptor type 23; plus strand). Cytogenetic location: 3p21.31.
Variant type: single nucleotide variant.
Coding change: c.4538T>C on transcript NM_015466.4 (MANE Select); coding-DNA position 4538, T replaced by C.
Protein change: p.Leu1513Ser; replaces leucine 1513 with serine.
Molecular consequence: missense variant.
Genome position (GRCh38, 1-based): chr3:47,412,812, T>C. VCF-style: chr3-47412812-T-C. GRCh37 (hg19) VCF-style: chr3-47454302-T-C.
Other names: c.4160T>C, p.Leu1387Ser (NM_001304482.2); short protein forms L1387S, L1513S.
Identifiers: ClinVar variation 1438923 (VCV001438923.6), dbSNP rs1576235514, ClinGen allele CA352567937.